The following is an entry in ClinVar:

NM_005015.5(OXA1L):c.1018A>G (p.Thr340Ala)

Gene: OXA1L (OXA1L mitochondrial inner membrane insertase; plus strand). Cytogenetic location: 14q11.2.
Variant type: single nucleotide variant.
Coding change: c.1018A>G on transcript NM_005015.5 (MANE Select); coding-DNA position 1018, A replaced by G.
Protein change: p.Thr340Ala; replaces threonine 340 with alanine.
Molecular consequence: missense variant.
Genome position (GRCh38, 1-based): chr14:22,771,096, A>G. VCF-style: chr14-22771096-A-G. GRCh37 (hg19) VCF-style: chr14-23240305-A-G.
Other names: short protein forms T340A.
Identifiers: ClinVar variation 161629 (VCV000161629.2), dbSNP rs193921091, ClinGen allele CA174491.

ClinVar aggregate classification (germline): Uncertain significance (0 of 4 stars; one submission).

Conditions:
Prostate cancer. Also called: Malignant tumor of prostate. Identifiers: Orphanet 1331, MedGen C0376358, MONDO:0008315, HP:0012125.

Submission:

Science for Life laboratory,  Karolinska Institutet
Classification: Uncertain significance for Malignant tumor of prostate. Review status: no assertion criteria provided. Collection method: not provided. Allele origin: somatic.
Comment: TumorID:SWE-91A
ClinVar note: Converted during submission from Unknown to Uncertain significance.